The following is an entry in ClinVar:

ClinVar aggregate classification (germline): Uncertain significance (1 of 4 stars; one submission).

Conditions:
Multiple endocrine neoplasia type 4. Also called: MULTIPLE ENDOCRINE NEOPLASIA, TYPE IV. Identifiers: Orphanet 276152, MedGen C1970712, MONDO:0012552, OMIM 610755.

Allele frequency attached by ClinVar (database versions not stated): gnomAD exomes below 0.00001; TOPMed below 0.00001.

Submission:

Labcorp Genetics (formerly Invitae), Labcorp
Classification: Uncertain significance for Multiple endocrine neoplasia type 4. Last evaluated: 2024-08-04. Review status: criteria provided, single submitter. Criteria: Invitae Variant Classification Sherloc (09022015). Collection method: clinical testing. Allele origin: germline.
Comment: This variant, c.389_409dup, results in the insertion of 7 amino acid(s) of the CDKN1B protein (p.Leu130_Asp136dup), but otherwise preserves the integrity of the reading frame. This variant is not present in population databases (gnomAD no frequency). This variant has not been reported in the literature in individuals affected with CDKN1B-related conditions. ClinVar contains an entry for this variant (Variation ID: 1059967). In summary, the available evidence is currently insufficient to determine the role of this variant in disease. Therefore, it has been classified as a Variant of Uncertain Significance.

NM_004064.5(CDKN1B):c.389_409dup (p.Leu130_Asp136dup)

Gene: CDKN1B (cyclin dependent kinase inhibitor 1B; plus strand). Cytogenetic location: 12p13.1.
Variant type: Duplication.
Coding change: c.389_409dup on transcript NM_004064.5 (MANE Select); coding-DNA positions 389 to 409, 21 bases duplicated (TGGTGGACCCAAAGACTGATC).
Protein change: p.Leu130_Asp136dup.
Molecular consequence: inframe insertion.
Genome position (GRCh38, 1-based): chr12:12,718,228-12,718,248, TGGTGGACCCAAAGACTGATC duplicated. VCF-style (leftmost placement, unchanged base first): chr12-12718227-T-TTGGTGGACCCAAAGACTGATC. GRCh37 (hg19) VCF-style: chr12-12871161-T-TTGGTGGACCCAAAGACTGATC.
Identifiers: ClinVar variation 1059967 (VCV001059967.9), dbSNP rs1946497601, ClinGen allele CA2017047767.